The following is an entry in ClinVar:

NM_005188.4(CBL):c.749C>T (p.Pro250Leu)

Gene: CBL (Cbl proto-oncogene; plus strand). Cytogenetic location: 11q23.3.
Variant type: single nucleotide variant.
Coding change: c.749C>T on transcript NM_005188.4 (MANE Select); coding-DNA position 749, C replaced by T.
Protein change: p.Pro250Leu; replaces proline 250 with leucine.
Molecular consequence: missense variant.
Genome position (GRCh38, 1-based): chr11:119,274,833, C>T. VCF-style: chr11-119274833-C-T. GRCh37 (hg19) VCF-style: chr11-119145543-C-T.
Other names: short protein forms P250L.
Identifiers: ClinVar variation 5033772 (VCV005033772.1).

ClinVar aggregate classification (germline): Uncertain significance (1 of 4 stars; one submission).

Conditions:
Cardiovascular phenotype. Identifiers: MedGen CN230736.

Submission:

Ambry Genetics
Classification: Uncertain significance for Cardiovascular phenotype. Last evaluated: 2026-08-29. Review status: criteria provided, single submitter. Criteria: Ambry Variant Classification Scheme 2023. Collection method: clinical testing. Allele origin: germline.
Comment: The p.P250L variant (also known as c.749C>T), located in coding exon 5 of the CBL gene, results from a C to T substitution at nucleotide position 749. The proline at codon 250 is replaced by leucine, an amino acid with similar properties. This amino acid position is conserved. In addition, this alteration is predicted to be deleterious by in silico analysis. Based on the available evidence, the clinical significance of this variant remains unclear.